The following is an entry in ClinVar:

ClinVar aggregate classification (germline): Uncertain significance (3 of 4 stars; one submission).

Conditions:
Very long chain acyl-CoA dehydrogenase deficiency (ACADVLD). Also called: VLCAD Deficiency; Very Long-Chain Acyl-Coenzyme A Dehydrogenase Deficiency. Identifiers: Orphanet 26793, MedGen C3887523, MONDO:0008723, OMIM 201475.

Submission:

ClinGen ACADVL Variant Curation Expert Panel, ClinGen
Classification: Uncertain significance for Very long chain acyl-CoA dehydrogenase deficiency. Last evaluated: 2022-03-08. Review status: reviewed by expert panel. Criteria: clingen acadvl acmg specifications v1. Collection method: curation. Allele origin: germline. Inheritance: Autosomal recessive inheritance.
Comment: The c.494A>T variant in ACADVL is a missense variant predicted to cause substitution of glutamic acid by valine at amino acid 165 (p.Glu165Val). This variant is absent from gnomAD v2.1.1 (PM2_Supporting). The computational predictor REVEL gives a score of 0.934, which is above the threshold of 0.75, evidence that correlates with impact to ACADVL function (PP3). A palmitoyl-CoA oxidation assay in patient-derived lymphocytes from an individual carrying this variant and no other identified ACADVL variant showed 40% reduced residual assay (PMID: 30194637). However, this assay does not meet the requirements for use by the ClinGen ACADVL Variant Curation Expert Panel. In summary, this variant meets the criteria to be classified as a variant of uncertain significance for autosomal recessive very long chain acyl-CoA dehydrogenase (VLCAD) deficiency based on the ACMG/AMP criteria applied, as specified by the ClinGen ACADVL Variant Curation Expert Panel: PM2_Supporting, PP3 (VCEP specifications v2.0, approved on 09/16/2021).

NM_000018.4(ACADVL):c.494A>T (p.Glu165Val)

Gene: ACADVL (acyl-CoA dehydrogenase very long chain; plus strand). Cytogenetic location: 17p13.1.
Variant type: single nucleotide variant.
Coding change: c.494A>T on transcript NM_000018.4 (MANE Select); coding-DNA position 494, A replaced by T.
Protein change: p.Glu165Val; replaces glutamic acid 165 with valine.
Molecular consequence: missense variant.
Genome position (GRCh38, 1-based): chr17:7,221,554, A>T. VCF-style: chr17-7221554-A-T. GRCh37 (hg19) VCF-style: chr17-7124873-A-T.
Other names: c.428A>T, p.Glu143Val (NM_001033859.3); c.563A>T, p.Glu188Val (NM_001270447.2); c.266A>T, p.Glu89Val (NM_001270448.2); short protein forms E143V, E165V, E188V, E89V.
Identifiers: ClinVar variation 1707711 (VCV001707711.2), dbSNP rs1248423287, ClinGen allele CA397723028.
Genomic context (GRCh38, chr17:7,221,554, plus strand): 5'-CCCCTGCAGCCAGTGACAACCCCAGATTCCTGCTTCCCCTCCAGTACGCCCGTTTGGTGG[A>T]GATCGTGGGCATGCATGACCTTGGCGTGGGCATTACCCTGGGGGCCCATCAGAGCATCGG-3'
Protein context (NP_000009.1, residues 155-175): LCNTQYARLV[Glu165Val]IVGMHDLGVG